The following is an entry in ClinVar:

NM_001374828.1(ARID1B):c.2480C>T (p.Ala827Val)

Gene: ARID1B (AT-rich interaction domain 1B; plus strand). Cytogenetic location: 6q25.3.
Variant type: single nucleotide variant.
Coding change: c.2480C>T on transcript NM_001374828.1 (MANE Select); coding-DNA position 2480, C replaced by T.
Protein change: p.Ala827Val; replaces alanine 827 with valine.
Molecular consequence: missense variant. On other transcripts: 5 prime UTR variant (1).
Genome position (GRCh38, 1-based): chr6:157,084,894, C>T. VCF-style: chr6-157084894-C-T. GRCh37 (hg19) VCF-style: chr6-157406028-C-T.
Other names: c.2231C>T, p.Ala744Val (NM_001346813.1); c.-20C>T (NM_001363725.2); c.2519C>T, p.Ala840Val (NM_001371656.1, NM_001374820.1); c.2480C>T, p.Ala827Val (NM_017519.3); c.2270C>T, p.Ala757Val (NM_020732.3); c.2057C>T, p.Ala686Val (NM_175863.2); short protein forms A686V, A744V, A757V, A827V, A840V.
Identifiers: ClinVar variation 1802582 (VCV001802582.3), dbSNP rs2128463445, ClinGen allele CA366387475.

ClinVar aggregate classification (germline): Conflicting classifications of pathogenicity. Review status: criteria provided, conflicting classifications (1 of 4 stars). 3 submissions from 3 submitters: Pathogenic (1); Likely pathogenic (1); Uncertain significance (1). Last evaluated 2024-10-18.

Conditions:
Coffin-Siris syndrome 1 (CSS1). Also called: ARID1B-Related Coffin-Siris Syndrome; Mental retardation, autosomal dominant 12. Identifiers: Orphanet 1465, MedGen C3281201, MONDO:0007617, OMIM 135900. Disease mechanism: gain of function.

Submissions (3):

GeneDx
Classification: Pathogenic. Last evaluated: 2024-10-18. Review status: criteria provided, single submitter. Criteria: GeneDx Variant Classification Process June 2021. Collection method: clinical testing. Allele origin: germline. Affected: yes.
Comment: Observed in large aggregate de-identified datasets examining de novo variants in patients with neurodevelopmental disorders, however patient specific details were not specified (PMID: 31981491, 33057194); RNA studies demonstrate a damaging effect with this variant resulting in abnormal splicing and deletion of exon 6 (PMID: 38113761); Not observed at significant frequency in large population cohorts (gnomAD); In silico analysis supports that this missense variant has a deleterious effect on protein structure/function; This variant is associated with the following publications: (PMID: 35982159, 35982160, 37500730, 38113761, 34730517, 35904121, 31981491, 33057194)

3billion
Classification: Uncertain significance for Coffin-Siris syndrome 1. Last evaluated: 2024-02-08. Review status: criteria provided, single submitter. Criteria: ACMG Guidelines, 2015. Collection method: clinical testing. Allele origin: germline. Affected: yes.
Comment: The variant is not observed in the gnomAD v2.1.1 dataset. Predicted Consequence/Location: The majority of the known disease-causing variants of this gene are variants expected to result in premature termination of the protein. In silico tools predict the variant to alter splicing and produce an abnormal transcript [SpliceAI: 0.96 (>=0.2, moderate evidence for spliceogenicity)]. Same nucleotide change resulting in same amino acid change has been previously reported to be associated with ARID1B related disorder (ClinVar ID: VCV001802582). However, the evidence of pathogenicity is insufficient at this time. Therefore, this variant is classified as VUS according to the recommendation of ACMG/AMP guideline.

Laboratory of Medical Genetics, University of Torino
Classification: Likely pathogenic for Coffin-Siris syndrome 1. Last evaluated: 2022-11-29. Review status: criteria provided, single submitter. Criteria: ACMG Guidelines, 2015. Collection method: research. Allele origin: germline. Affected: yes. Study: NeuroWES.